The following is an entry in ClinVar:

NM_001323289.2(CDKL5):c.801_802del (p.Asn267fs)

Gene: CDKL5 (cyclin dependent kinase like 5; plus strand). Cytogenetic location: Xp22.13.
Variant type: Deletion.
Coding change: c.801_802del on transcript NM_001323289.2 (MANE Select); coding-DNA positions 801 to 802, 2 bases deleted (TA; older notation c.801_802delTA).
Protein change: p.Asn267fs; shifts the reading frame from asparagine 267.
Molecular consequence: frameshift variant.
Genome position (GRCh38, 1-based): chrX:18,595,404-18,595,405, TA deleted; deleting any 2 consecutive bases within chrX:18,595,403-18,595,405 gives the same sequence; the c. name uses the placement nearest the transcript's 3' end. VCF-style (leftmost placement, unchanged base first): chrX-18595402-AAT-A. GRCh37 (hg19) VCF-style: chrX-18613522-AAT-A.
Other names: NM_001323289.2(CDKL5):c.801_802del; p.Asn267fs; c.801_802del, p.Asn267fs (NM_001037343.2, NM_003159.3); c.801_802delTA (NM_003159.2); short protein forms N267fs.
Identifiers: ClinVar variation 143833 (VCV000143833.4), dbSNP rs267608528, ClinGen allele CA170504.

ClinVar aggregate classification (germline): Pathogenic. Review status: criteria provided, single submitter (1 of 4 stars). 2 submissions from 2 submitters: Pathogenic (1). 1 of the submissions does not count toward it. Last evaluated 2024-09-18.

Conditions:
CDKL5 disorder. Identifiers: MedGen CN296942, MONDO:0100039.
Developmental and epileptic encephalopathy, 2 (DEE2). Also called: INFANTILE SPASM SYNDROME, X-LINKED 2; CDKL5 deficiency disorder. Identifiers: Orphanet 1934, Orphanet 3451, Orphanet 505652, MedGen C4750718, MONDO:0010396, OMIM 300672.

Submissions (2):

Centre for Population Genomics, CPG
Classification: Pathogenic for CDKL5 disorder. Last evaluated: 2024-09-18. Review status: criteria provided, single submitter. Criteria: McKnight et al. (Hum Mutat. 2022). Collection method: curation. Allele origin: germline. Inheritance: X-linked inheritance.
Comment: This variant has been collected from RettBASE and curated to current modified ACMG/AMP criteria. Based on the classification scheme defined by the ClinGen Rett/Angelman-like Expert Panel for Rett/AS-like Disorders Specifications to the ACMG/AMP Variant Interpretation Guidelines VCEP 3.0, this variant is classified as pathogenic. At least the following criteria are met: Predicted to result in loss of function, and LOF is a known mechanism of disease (PVS1). At least one individual with this variant has been reported with a clinical phenotype consistent with CDKL5- related condition (PP4). PMID: 18790821 This variant is absent from gnomAD v4 (PM2_Supporting).

RettBASE
Classification: Pathogenic for Epileptic encephalopathy, early infantile, 2. Last evaluated: 2014-03-13. Review status: no assertion criteria provided. Collection method: curation. Allele origin: de novo. Affected: yes. Observed: 1 variant allele. Not counted in ClinVar's aggregate classification.

Literature cited by the submitters: PubMed 18790821 (cited by RettBASE).